The following is an entry in ClinVar:

NM_000238.4(KCNH2):c.2110G>A (p.Ala704Thr)

Gene: KCNH2 (potassium voltage-gated channel subfamily H member 2; minus strand). Cytogenetic location: 7q36.1.
Variant type: single nucleotide variant.
Coding change: c.2110G>A on transcript NM_000238.4 (MANE Select); coding-DNA position 2110, G replaced by A.
Protein change: p.Ala704Thr; replaces alanine 704 with threonine.
Molecular consequence: missense variant.
Genome position (GRCh38, 1-based): chr7:150,950,956, C>T on the plus strand (G>A on the coding strand, the complement: KCNH2 is on the minus strand). VCF-style: chr7-150950956-C-T. GRCh37 (hg19) VCF-style: chr7-150648044-C-T.
Other names: c.1090G>A, p.Ala364Thr (NM_001204798.2, NM_172057.3); c.1822G>A, p.Ala608Thr (NM_001406753.1, NM_001406756.1); c.1933G>A, p.Ala645Thr (NM_001406755.1); c.1810G>A, p.Ala604Thr (NM_001406757.1); c.2110G>A, p.Ala704Thr (NM_172056.3); short protein forms A364T, A645T, A704T, A608T, A604T.
Identifiers: ClinVar variation 1786111 (VCV001786111.5), dbSNP rs773524985, ClinGen allele CA030662.

ClinVar aggregate classification (germline): Uncertain significance. Review status: criteria provided, multiple submitters, no conflicts (2 of 4 stars). 2 submissions from 2 submitters: Uncertain significance (2). Last evaluated 2024-10-11.

Conditions:
Cardiovascular phenotype. Identifiers: MedGen CN230736.
Long QT syndrome (LQTS). Identifiers: MedGen C0023976, MeSH D008133, MONDO:0002442. Disease mechanism: loss of function. Inheritance: Various modes of inheritance.

Allele frequency attached by ClinVar (database versions not stated): gnomAD exomes below 0.00001; ExAC 0.00001.
gnomAD v4.1: 5 of 1,614,210 alleles (0.00031%); highest among the groups gnomAD compares: Middle Eastern, 0.017%; no homozygotes.

Submissions (2):

Labcorp Genetics (formerly Invitae), Labcorp
Classification: Uncertain significance for Long QT syndrome. Last evaluated: 2024-10-11. Review status: criteria provided, single submitter. Criteria: Invitae Variant Classification Sherloc (09022015). Collection method: clinical testing. Allele origin: germline.
Comment: This sequence change replaces alanine, which is neutral and non-polar, with threonine, which is neutral and polar, at codon 704 of the KCNH2 protein (p.Ala704Thr). This variant is present in population databases (rs773524985, gnomAD 0.0009%). This variant has not been reported in the literature in individuals affected with KCNH2-related conditions. ClinVar contains an entry for this variant (Variation ID: 1786111). An algorithm developed to predict the effect of missense changes on protein structure and function (PolyPhen-2) suggests that this variant is likely to be disruptive. In summary, the available evidence is currently insufficient to determine the role of this variant in disease. Therefore, it has been classified as a Variant of Uncertain Significance.

Ambry Genetics
Classification: Uncertain significance for Cardiovascular phenotype. Last evaluated: 2024-05-23. Review status: criteria provided, single submitter. Criteria: Ambry Variant Classification Scheme 2023. Collection method: clinical testing. Allele origin: germline.
Comment: The p.A704T variant (also known as c.2110G>A), located in coding exon 8 of the KCNH2 gene, results from a G to A substitution at nucleotide position 2110. The alanine at codon 704 is replaced by threonine, an amino acid with similar properties. This amino acid position is highly conserved in available vertebrate species. In addition, this alteration is predicted to be deleterious by in silico analysis. Since supporting evidence is limited at this time, the clinical significance of this alteration remains unclear.